The following is an entry in ClinVar:

ClinVar aggregate classification (germline): Uncertain significance. Review status: criteria provided, multiple submitters, no conflicts (2 of 4 stars). 4 submissions from 4 submitters: Uncertain significance (4). Last evaluated 2025-11-28.

Conditions:
Inborn genetic diseases. Identifiers: MedGen C0950123, MeSH D030342.

Allele frequency attached by ClinVar (database versions not stated): gnomAD exomes below 0.00001; TOPMed 0.00002.
gnomAD v4.1: 5 of 1,581,156 alleles (0.00032%); highest among the groups gnomAD compares: Admixed American, 0.0017%; no homozygotes.

Submissions (4):

Mayo Clinic Laboratories, Mayo Clinic
Classification: Uncertain significance. Last evaluated: 2025-11-28. Review status: criteria provided, single submitter. Criteria: ACMG Guidelines, 2015. Collection method: clinical testing. Allele origin: germline. Observed: 1 variant allele.

Labcorp Genetics (formerly Invitae), Labcorp
Classification: Uncertain significance. Last evaluated: 2025-11-17. Review status: criteria provided, single submitter. Criteria: Invitae Variant Classification Sherloc (09022015). Collection method: clinical testing. Allele origin: germline.
Comment: This sequence change replaces arginine, which is basic and polar, with histidine, which is basic and polar, at codon 677 of the SLC12A6 protein (p.Arg677His). This variant is present in population databases (no rsID available, gnomAD 0.0009%). This variant has not been reported in the literature in individuals affected with SLC12A6-related conditions. ClinVar contains an entry for this variant (Variation ID: 2571799). Invitae Evidence Modeling of protein sequence and biophysical properties (such as structural, functional, and spatial information, amino acid conservation, physicochemical variation, residue mobility, and thermodynamic stability) indicates that this missense variant is not expected to disrupt SLC12A6 protein function with a negative predictive value of 80%. In summary, the available evidence is currently insufficient to determine the role of this variant in disease. Therefore, it has been classified as a Variant of Uncertain Significance.

Ambry Genetics
Classification: Uncertain significance for Inborn genetic diseases. Last evaluated: 2024-06-16. Review status: criteria provided, single submitter. Criteria: Ambry Variant Classification Scheme 2023. Collection method: clinical testing. Allele origin: germline.

GeneDx
Classification: Uncertain significance. Last evaluated: 2023-06-27. Review status: criteria provided, single submitter. Criteria: GeneDx Variant Classification Process June 2021. Collection method: clinical testing. Allele origin: germline. Affected: yes.
Comment: Not observed at significant frequency in large population cohorts (gnomAD); In silico analysis supports that this missense variant has a deleterious effect on protein structure/function; Has not been previously published as pathogenic or benign to our knowledge

NM_001365088.1(SLC12A6):c.2030G>A (p.Arg677His)

Gene: SLC12A6 (solute carrier family 12 member 6; minus strand). Cytogenetic location: 15q14.
Variant type: single nucleotide variant.
Coding change: c.2030G>A on transcript NM_001365088.1 (MANE Select); coding-DNA position 2030, G replaced by A.
Protein change: p.Arg677His; replaces arginine 677 with histidine.
Molecular consequence: missense variant.
Genome position (GRCh38, 1-based): chr15:34,243,986, C>T on the plus strand (G>A on the coding strand, the complement: SLC12A6 is on the minus strand). VCF-style: chr15-34243986-C-T. GRCh37 (hg19) VCF-style: chr15-34536187-C-T.
Other names: p.Arg677His; c.1853G>A, p.Arg618His (NM_001042494.2, NM_001042495.2); c.2003G>A, p.Arg668His (NM_001042496.2); c.1985G>A, p.Arg662His (NM_001042497.2); c.1877G>A, p.Arg626His (NM_005135.2); c.2030G>A, p.Arg677His (NM_133647.2); short protein forms R618H, R626H, R662H, R668H, R677H.
Identifiers: ClinVar variation 2571799 (VCV002571799.4), dbSNP rs1351667158, ClinGen allele CA391620490.